The following is an entry in ClinVar:

NM_006231.4(POLE):c.424-9G>A

Gene: POLE (DNA polymerase epsilon, catalytic subunit; minus strand). Cytogenetic location: 12q24.33.
Variant type: single nucleotide variant.
Coding change: c.424-9G>A on transcript NM_006231.4 (MANE Select); 9 bases into the intron before coding-DNA position 424, G replaced by A.
Molecular consequence: intron variant.
Genome position (GRCh38, 1-based): chr12:132,679,660, C>T on the plus strand (G>A on the coding strand, the complement: POLE is on the minus strand). VCF-style: chr12-132679660-C-T. GRCh37 (hg19) VCF-style: chr12-133256246-C-T.
Identifiers: ClinVar variation 413594 (VCV000413594.13), dbSNP rs1060504074, ClinGen allele CA16614060.

ClinVar aggregate classification (germline): Benign/Likely benign. Review status: criteria provided, multiple submitters, no conflicts (2 of 4 stars). 4 submissions from 4 submitters: Benign (1); Likely benign (3). Last evaluated 2025-12-05.

Conditions:
Familial colorectal cancer type X. Identifiers: Orphanet 440437, MedGen C3896578, MONDO:0018604.
Polymerase proofreading-related adenomatous polyposis. Also called: Polymerase proofreading associated polyposis; Polymerase proofreading–associated polyposis (PPAP). Identifiers: Orphanet 447877, MedGen C5202613, MONDO:0018653.
Colorectal cancer, susceptibility to, 12 (CRCS12). Also called: COLORECTAL CANCER, SUSCEPTIBILITY TO, ON CHROMOSOME 12q24. Identifiers: Orphanet 220460, MedGen C3554460, MONDO:0014038, OMIM 615083.

Allele frequency attached by ClinVar (database versions not stated): TOPMed below 0.00001; gnomAD exomes below 0.00001 and 0.00001.
gnomAD v4.1: 11 of 1,604,478 alleles (0.00069%); highest among the groups gnomAD compares: South Asian, 0.0077%; no homozygotes.

Submissions (4):

Dasa
Classification: Likely benign. Last evaluated: 2025-12-05. Review status: criteria provided, single submitter. Criteria: DASA Assertion Criteria. Collection method: clinical testing. Allele origin: germline.
Comment: NM_006231.4(POLE):c.424-9G>A is a splice-region variant predicted to affect normal RNA splicing. Multiple computational predictions suggest no deleterious effect on the gene or gene product. The variant is present at low frequency in population datasets. Based on the available data, this variant is classified as likely benign.

Labcorp Genetics (formerly Invitae), Labcorp
Classification: Likely benign. Last evaluated: 2025-11-22. Review status: criteria provided, single submitter. Criteria: Invitae Variant Classification Sherloc (09022015). Collection method: clinical testing. Allele origin: germline.

KCCC/NGS Laboratory, Kuwait Cancer Control Center
Classification: Benign for Colorectal cancer, susceptibility to, 12. Last evaluated: 2025-02-01. Review status: criteria provided, single submitter. Criteria: ACMG Guidelines, 2015. Collection method: clinical testing. Allele origin: germline. Affected: no.

Department of Pathology and Laboratory Medicine, Sinai Health System
Classification: Likely benign for Polymerase proofreading-related adenomatous polyposis; Familial colorectal cancer type X. Last evaluated: 2024-04-10. Review status: criteria provided, single submitter. Criteria: ACMG Guidelines, 2015. Collection method: clinical testing. Allele origin: germline. Affected: yes.